The following is an entry in ClinVar:

NM_020795.4(NLGN2):c.2313G>A (p.Leu771=)

Gene: NLGN2 (neuroligin 2; plus strand). Cytogenetic location: 17p13.1.
Variant type: single nucleotide variant.
Coding change: c.2313G>A on transcript NM_020795.4 (MANE Select); coding-DNA position 2313, G replaced by A.
Protein change: p.Leu771=; no amino-acid change (leucine 771 retained).
Molecular consequence: synonymous variant.
Genome position (GRCh38, 1-based): chr17:7,417,604, G>A. VCF-style: chr17-7417604-G-A. GRCh37 (hg19) VCF-style: chr17-7320923-G-A.
Identifiers: ClinVar variation 4987582 (VCV004987582.1).

ClinVar aggregate classification (germline): Likely benign (1 of 4 stars; one submission).

Conditions:
NLGN2-related disorder. Also called: NLGN2-related condition.

Submission:

PreventionGenetics, part of Exact Sciences
Classification: Likely benign for NLGN2-related condition. Last evaluated: 2025-08-12. Review status: criteria provided, single submitter. Criteria: ACMG Guidelines, 2015. Collection method: clinical testing. Allele origin: germline.
Comment: This variant is classified as likely benign based on ACMG/AMP sequence variant interpretation guidelines (Richards et al. 2015 PMID: 25741868, with internal and published modifications).